The following is an entry in ClinVar:

NM_006734.4(HIVEP2):c.4793_4806del (p.Gly1598fs)

Gene: HIVEP2 (HIVEP zinc finger 2; minus strand). Cytogenetic location: 6q24.2.
Variant type: Deletion.
Coding change: c.4793_4806del on transcript NM_006734.4 (MANE Select); coding-DNA positions 4793 to 4806, 14 bases deleted (GGAAGGGCCACAAG).
Protein change: p.Gly1598fs; shifts the reading frame from glycine 1598.
Molecular consequence: frameshift variant.
Genome position (GRCh38, 1-based): chr6:142,769,933-142,769,946, CTTGTGGCCCTTCC deleted on the plus strand (GGAAGGGCCACAAG on the coding strand, the reverse complement: HIVEP2 is on the minus strand); deleting any 14 consecutive bases within chr6:142,769,933-142,769,949 gives the same sequence; the c. name uses the placement nearest the transcript's 3' end. VCF-style (leftmost placement, unchanged base first): chr6-142769932-GCTTGTGGCCCTTCC-G. GRCh37 (hg19) VCF-style: chr6-143091069-GCTTGTGGCCCTTCC-G.
Other names: short protein forms G1598fs.
Identifiers: ClinVar variation 2815620 (VCV002815620.3), dbSNP rs2482819366, ClinGen allele CA2739266194.
Genomic context (GRCh38, chr6:142,769,932, plus strand): 5'-TTGAGTCTGCCACGTTCCCGCTGGGGGCAGAGGCCATGCGGACCAGCATGCCAACAGGCC[GCTTGTGGCCCTTCC>G]CTTCCTCTTCCAGCTGACCATCTCCTGCTGGTAATGAAGAACTCTGTGGGCTCATGCTCA-3'

ClinVar aggregate classification (germline): Pathogenic (1 of 4 stars; one submission).

Submission:

Labcorp Genetics (formerly Invitae), Labcorp
Classification: Pathogenic. Last evaluated: 2022-11-23. Review status: criteria provided, single submitter. Criteria: Invitae Variant Classification Sherloc (09022015). Collection method: clinical testing. Allele origin: germline.
Comment: For these reasons, this variant has been classified as Pathogenic. This variant has not been reported in the literature in individuals affected with HIVEP2-related conditions. This variant is not present in population databases (gnomAD no frequency). This sequence change creates a premature translational stop signal (p.Gly1598Alafs*74) in the HIVEP2 gene. It is expected to result in an absent or disrupted protein product. Loss-of-function variants in HIVEP2 are known to be pathogenic (PMID: 27003583).

Literature cited by the submitters: PubMed 27003583.